The following is an entry in ClinVar:

ClinVar aggregate classification (germline): Uncertain significance. Review status: criteria provided, multiple submitters, no conflicts (2 of 4 stars). 3 submissions from 3 submitters: Uncertain significance (3). Last evaluated 2024-12-18.

Conditions:
Hereditary cancer-predisposing syndrome. Also called: Neoplastic Syndromes, Hereditary; Tumor predisposition; Hereditary neoplastic syndrome; Hereditary Cancer Syndrome. Identifiers: Orphanet 140162, MedGen C0027672, MeSH D009386, MONDO:0015356.
Familial adenomatous polyposis 1 (FAP1). Also called: POLYPOSIS, ADENOMATOUS INTESTINAL; FAMILIAL ADENOMATOUS POLYPOSIS 1, ATTENUATED. Identifiers: MedGen C2713442, MONDO:0021056, OMIM 175100. Disease mechanism: loss of function.

gnomAD v4.1: 1 of 1,614,182 alleles (0.000062%); no homozygotes.

Submissions (3):

Ambry Genetics
Classification: Uncertain significance for Hereditary cancer-predisposing syndrome. Last evaluated: 2024-12-18. Review status: criteria provided, single submitter. Criteria: Ambry Variant Classification Scheme 2023. Collection method: clinical testing. Allele origin: germline.
Comment: The p.P1602S variant (also known as c.4804C>T), located in coding exon 15 of the APC gene, results from a C to T substitution at nucleotide position 4804. The proline at codon 1602 is replaced by serine, an amino acid with similar properties. This amino acid position is well conserved in available vertebrate species. In addition, in silico predictors for this gene do not accurately predict pathogenicity. Based on the available evidence, the clinical significance of this variant remains unclear.

Color Diagnostics, LLC DBA Color Health
Classification: Uncertain significance for Hereditary cancer-predisposing syndrome. Last evaluated: 2023-12-05. Review status: criteria provided, single submitter. Criteria: ACMG Guidelines, 2015. Collection method: clinical testing. Allele origin: germline.
Comment: This missense variant replaces proline with serine at codon 1602 of the APC protein. Computational prediction suggests that this variant may not impact protein structure and function (internally defined REVEL score threshold <= 0.5, PMID: 27666373). To our knowledge, functional studies have not been reported for this variant. This variant has not been reported in individuals affected with APC-related disorders in the literature. This variant has not been identified in the general population by the Genome Aggregation Database (gnomAD). The available evidence is insufficient to determine the role of this variant in disease conclusively. Therefore, this variant is classified as a Variant of Uncertain Significance.

Labcorp Genetics (formerly Invitae), Labcorp
Classification: Uncertain significance for Familial adenomatous polyposis 1. Last evaluated: 2021-12-15. Review status: criteria provided, single submitter. Criteria: Invitae Variant Classification Sherloc (09022015). Collection method: clinical testing. Allele origin: germline.
Comment: In summary, the available evidence is currently insufficient to determine the role of this variant in disease. Therefore, it has been classified as a Variant of Uncertain Significance. Algorithms developed to predict the effect of missense changes on protein structure and function (SIFT, PolyPhen-2, Align-GVGD) all suggest that this variant is likely to be disruptive. ClinVar contains an entry for this variant (Variation ID: 629234). This variant has not been reported in the literature in individuals affected with APC-related conditions. This variant is not present in population databases (gnomAD no frequency). This sequence change replaces proline, which is neutral and non-polar, with serine, which is neutral and polar, at codon 1602 of the APC protein (p.Pro1602Ser).

NM_000038.6(APC):c.4804C>T (p.Pro1602Ser)

Gene: APC (APC regulator of Wnt signaling pathway; plus strand). Cytogenetic location: 5q22.2.
Variant type: single nucleotide variant.
Coding change: c.4804C>T on transcript NM_000038.6 (MANE Select); coding-DNA position 4804, C replaced by T.
Protein change: p.Pro1602Ser; replaces proline 1602 with serine.
Molecular consequence: missense variant.
Genome position (GRCh38, 1-based): chr5:112,840,398, C>T. VCF-style: chr5-112840398-C-T. GRCh37 (hg19) VCF-style: chr5-112176095-C-T.
Other names: c.4804C>T, p.Pro1602Ser (NM_001127510.3, NM_001354895.2); c.4750C>T, p.Pro1584Ser (NM_001127511.3); c.4858C>T, p.Pro1620Ser (NM_001354896.2); c.4834C>T, p.Pro1612Ser (NM_001354897.2); c.4729C>T, p.Pro1577Ser (NM_001354898.2); c.4720C>T, p.Pro1574Ser (NM_001354899.2); c.4681C>T, p.Pro1561Ser (NM_001354900.2); c.4627C>T, p.Pro1543Ser (NM_001354901.2); and 5 more; short protein forms P1584S, P1602S, P1501S, P1511S, P1561S, P1574S, P1442S, P1543S.
Identifiers: ClinVar variation 629234 (VCV000629234.14), dbSNP rs1408572186, ClinGen allele CA16031861.